The following is an entry in ClinVar:

ClinVar aggregate classification (germline): Uncertain significance (1 of 4 stars; one submission).

gnomAD v4.1: 1 of 1,613,968 alleles (0.000062%); highest among the groups gnomAD compares: African/African-American, 0.0013%; no homozygotes.

Submission:

CeGaT Center for Human Genetics Tuebingen
Classification: Uncertain significance. Last evaluated: 2025-04-01. Review status: criteria provided, single submitter. Criteria: CeGaT Center For Human Genetics Tuebingen Variant Classification Criteria Version 2. Collection method: clinical testing. Allele origin: germline. Affected: yes. Observed: 1 variant allele.
Comment: USH2A: PM2, BP4

NM_206933.4(USH2A):c.10334C>T (p.Ser3445Leu)

Gene: USH2A (usherin; minus strand). Cytogenetic location: 1q41.
Variant type: single nucleotide variant.
Coding change: c.10334C>T on transcript NM_206933.4 (MANE Select); coding-DNA position 10334, C replaced by T.
Protein change: p.Ser3445Leu; replaces serine 3445 with leucine.
Molecular consequence: missense variant.
Genome position (GRCh38, 1-based): chr1:215,786,723, G>A on the plus strand (C>T on the coding strand, the complement: USH2A is on the minus strand). VCF-style: chr1-215786723-G-A. GRCh37 (hg19) VCF-style: chr1-215960065-G-A.
Other names: short protein forms S3445L.
Identifiers: ClinVar variation 3898417 (VCV003898417.7).
Genomic context (GRCh38, chr1:215,786,723, plus strand): 5'-CTGTTACCTGTGTAAGAGTACGTGTTTACACTCCCTGTATGAATGGTTTCTTCGGCAGAT[G>A]AACACATTTCTTCAATTGATGCCTTCCCTGTGGAATTGTGAGACCCTCTTATCACAGTGC-3'
Protein context (NP_996816.3, residues 3435-3455): TGKASIEEMC[Ser3445Leu]SAEETIHTGS